The following is an entry in ClinVar:

ClinVar aggregate classification (germline): Likely benign. Review status: criteria provided, single submitter (1 of 4 stars). 2 submissions from 2 submitters: Likely benign (1). 1 of the submissions does not count toward it. Last evaluated 2025-12-31.

Conditions:
FAT1-related disorder. Also called: FAT1-related condition.

Allele frequency attached by ClinVar (database versions not stated): ExAC 0.00014; gnomAD exomes 0.00014; TOPMed 0.00034; gnomAD 0.00037 and 0.00041; ESP Exome Variant Server 0.00067.
gnomAD v4.1: 154 of 1,613,562 alleles (0.0095%); highest among the groups gnomAD compares: African/African-American, 0.12%; 1 homozygote.

Submissions (2):

Labcorp Genetics (formerly Invitae), Labcorp
Classification: Likely benign. Last evaluated: 2025-12-31. Review status: criteria provided, single submitter. Criteria: Invitae Variant Classification Sherloc (09022015). Collection method: clinical testing. Allele origin: germline.

PreventionGenetics, part of Exact Sciences
Classification: Likely benign for FAT1-related condition. Last evaluated: 2022-12-19. Review status: no assertion criteria provided. Collection method: clinical testing. Allele origin: germline. Not counted in ClinVar's aggregate classification.
Comment: This variant is classified as likely benign based on ACMG/AMP sequence variant interpretation guidelines (Richards et al. 2015 PMID: 25741868, with internal and published modifications).

NM_005245.4(FAT1):c.3933C>T (p.Ser1311=)

Gene: FAT1 (FAT atypical cadherin 1; minus strand). Cytogenetic location: 4q35.2.
Variant type: single nucleotide variant.
Coding change: c.3933C>T on transcript NM_005245.4 (MANE Select); coding-DNA position 3933, C replaced by T.
Protein change: p.Ser1311=; no amino-acid change (serine 1311 retained).
Molecular consequence: synonymous variant.
Genome position (GRCh38, 1-based): chr4:186,636,624, G>A on the plus strand (C>T on the coding strand, the complement: FAT1 is on the minus strand). VCF-style: chr4-186636624-G-A. GRCh37 (hg19) VCF-style: chr4-187557778-G-A.
Identifiers: ClinVar variation 764957 (VCV000764957.10), dbSNP rs370409135, ClinGen allele CA3166865.